The following is an entry in ClinVar:

ClinVar aggregate classification (germline): Likely pathogenic (1 of 4 stars; one submission).

Submission:

Geisinger Autism and Developmental Medicine Institute, Geisinger Health System
Classification: Likely pathogenic. Last evaluated: 2017-08-01. Review status: criteria provided, single submitter. Criteria: ACMG Guidelines, 2015. Collection method: provider interpretation, clinical testing. Allele origin: de novo. Observed: 1 variant allele.
Comment: The variant is absent from the gnomAD database, and it was found to be de novo (with maternity and paternity confirmed). Computational models predict it to be deleterious. This variant has not been reported previously in a clinical setting, to our knowledge. Additionally, whole exome sequencing also identified two additional variants of uncertain significance, which were not considered to be good candidates for potential diagnosis based on clinical correlation.

NM_001376.5(DYNC1H1):c.6490G>A (p.Val2164Met)

Gene: DYNC1H1 (dynein cytoplasmic 1 heavy chain 1; plus strand). Cytogenetic location: 14q32.31.
Variant type: single nucleotide variant.
Coding change: c.6490G>A on transcript NM_001376.5 (MANE Select); coding-DNA position 6490, G replaced by A.
Protein change: p.Val2164Met; replaces valine 2164 with methionine.
Molecular consequence: missense variant.
Genome position (GRCh38, 1-based): chr14:102,010,824, G>A. VCF-style: chr14-102010824-G-A. GRCh37 (hg19) VCF-style: chr14-102477161-G-A.
Other names: short protein forms V2164M.
Identifiers: ClinVar variation 560252 (VCV000560252.3), dbSNP rs1567010427, ClinGen allele CA391055597.
Genomic context (GRCh38, chr14:102,010,824, plus strand): 5'-ACGATGGTGCCAAAGCTGGTGGCAGAGGACATCCCGCTGCTCTTCAGCCTCCTGTCGGAC[G>A]TGTTCCCTGGAGTCCAGTATCACAGGGGTGAGATGACTGCCCTTCGAGAGGAGCTGAAGA-3'
Protein context (NP_001367.2, residues 2154-2174): IPLLFSLLSD[Val2164Met]FPGVQYHRGE